The following is an entry in ClinVar:

NM_006073.4(TRDN):c.1186+1G>C

Gene: TRDN (triadin; minus strand). Cytogenetic location: 6q22.31.
Variant type: single nucleotide variant.
Coding change: c.1186+1G>C on transcript NM_006073.4 (MANE Select); the canonical splice donor site of the intron after coding-DNA position 1186, G replaced by C.
Molecular consequence: splice donor variant.
Genome position (GRCh38, 1-based): chr6:123,381,369, C>G on the plus strand (G>C on the coding strand, the complement: TRDN is on the minus strand). VCF-style: chr6-123381369-C-G. GRCh37 (hg19) VCF-style: chr6-123702514-C-G.
Other names: c.1129+1G>C (NM_001407315.1); c.1189+1G>C (NM_001251987.2).
Identifiers: ClinVar variation 3776451 (VCV003776451.1).

ClinVar aggregate classification (germline): Uncertain significance (1 of 4 stars; one submission).

Submission:

GeneDx
Classification: Uncertain significance. Last evaluated: 2024-10-01. Review status: criteria provided, single submitter. Criteria: GeneDx Variant Classification Process June 2021. Collection method: clinical testing. Allele origin: germline. Affected: yes.
Comment: Not observed at significant frequency in large population cohorts (gnomAD); Canonical splice site variant in a gene or region of a gene for which loss of function is not a well-established mechanism of disease; Has not been previously published as pathogenic or benign to our knowledge